The following is an entry in ClinVar:

ClinVar aggregate classification (germline): Uncertain significance. Review status: criteria provided, multiple submitters, no conflicts (2 of 4 stars). 2 submissions from 2 submitters: Uncertain significance (2). Last evaluated 2026-01-05.

Conditions:
Inborn genetic diseases. Identifiers: MedGen C0950123, MeSH D030342.

Allele frequency attached by ClinVar (database versions not stated): gnomAD exomes below 0.00001; gnomAD 0.00001; TOPMed 0.00002.
gnomAD v4.1: 8 of 1,612,440 alleles (0.0005%); highest among the groups gnomAD compares: East Asian, 0.0045%; no homozygotes.

Submissions (2):

Labcorp Genetics (formerly Invitae), Labcorp
Classification: Uncertain significance. Last evaluated: 2026-01-05. Review status: criteria provided, single submitter. Criteria: Invitae Variant Classification Sherloc (09022015). Collection method: clinical testing. Allele origin: germline.
Comment: This sequence change replaces histidine, which is basic and polar, with glutamine, which is neutral and polar, at codon 554 of the WHSC1 protein (p.His554Gln). This variant is present in population databases (no rsID available, gnomAD 0.002%). This variant has not been reported in the literature in individuals affected with WHSC1-related conditions. ClinVar contains an entry for this variant (Variation ID: 1680176). Invitae Evidence Modeling of protein sequence and biophysical properties (such as structural, functional, and spatial information, amino acid conservation, physicochemical variation, residue mobility, and thermodynamic stability) indicates that this missense variant is not expected to disrupt WHSC1 protein function with a negative predictive value of 80%. In summary, the available evidence is currently insufficient to determine the role of this variant in disease. Therefore, it has been classified as a Variant of Uncertain Significance.

Ambry Genetics
Classification: Uncertain significance for Inborn genetic diseases. Last evaluated: 2025-10-08. Review status: criteria provided, single submitter. Criteria: Ambry Variant Classification Scheme 2023. Collection method: clinical testing. Allele origin: germline.

NM_001042424.3(NSD2):c.1662C>G (p.His554Gln)

Gene: NSD2 (nuclear receptor binding SET domain protein 2; plus strand). Cytogenetic location: 4p16.3.
Variant type: single nucleotide variant.
Coding change: c.1662C>G on transcript NM_001042424.3 (MANE Select); coding-DNA position 1662, C replaced by G.
Protein change: p.His554Gln; replaces histidine 554 with glutamine.
Molecular consequence: missense variant.
Genome position (GRCh38, 1-based): chr4:1,935,250, C>G. VCF-style: chr4-1935250-C-G. GRCh37 (hg19) VCF-style: chr4-1936977-C-G.
Other names: c.1662C>G, p.His554Gln (NM_007331.2, NM_133330.3, NM_133331.3 and 2 more transcripts); c.1662C>G (NM_133330.2); short protein forms H554Q.
Identifiers: ClinVar variation 1680176 (VCV001680176.9), dbSNP rs1273557385, ClinGen allele CA355978772.